The following is an entry in ClinVar:

ClinVar aggregate classification (germline): Uncertain significance (1 of 4 stars; one submission).

Conditions:
Klippel-Feil syndrome 1, autosomal dominant (KFS1). Also called: CERVICAL VERTEBRAL FUSION, AUTOSOMAL DOMINANT. Identifiers: Orphanet 2345, MedGen C1861689, MONDO:0007306, OMIM 118100.
Isolated microphthalmia 4. Identifiers: Orphanet 2542, MedGen C2751307, MONDO:0013130, OMIM 613094.
Leber congenital amaurosis 17 (LCA17). Identifiers: Orphanet 65, MedGen C3715164, MONDO:0014145, OMIM 615360.
Microphthalmia, isolated, with coloboma 6 (MCOPCB6). Also called: Microphthalmia with coloboma 6, digenic; Microphthalmia with coloboma 6; MICROPHTHALMIA/COLOBOMA 6. Identifiers: Orphanet 98938, MedGen C3150968, MONDO:0013376, OMIM 613703.

Allele frequency attached by ClinVar (database versions not stated): gnomAD 0.00001.
gnomAD v4.1: 1 of 1,613,548 alleles (0.000062%); highest among the groups gnomAD compares: African/African-American, 0.0013%; no homozygotes.

Submission:

Labcorp Genetics (formerly Invitae), Labcorp
Classification: Uncertain significance for Isolated microphthalmia 4; Leber congenital amaurosis 17; Klippel-Feil syndrome 1, autosomal dominant; Microphthalmia, isolated, with coloboma 6. Last evaluated: 2022-08-09. Review status: criteria provided, single submitter. Criteria: Invitae Variant Classification Sherloc (09022015). Collection method: clinical testing. Allele origin: germline.
Comment: In summary, the available evidence is currently insufficient to determine the role of this variant in disease. Therefore, it has been classified as a Variant of Uncertain Significance. Algorithms developed to predict the effect of missense changes on protein structure and function are either unavailable or do not agree on the potential impact of this missense change (SIFT: "Tolerated"; PolyPhen-2: "Probably Damaging"; Align-GVGD: "Class C0"). ClinVar contains an entry for this variant (Variation ID: 965244). This variant has not been reported in the literature in individuals affected with GDF6-related conditions. This variant is present in population databases (no rsID available, gnomAD 0.01%). This sequence change replaces isoleucine, which is neutral and non-polar, with leucine, which is neutral and non-polar, at codon 28 of the GDF6 protein (p.Ile28Leu).

NM_001001557.4(GDF6):c.82A>C (p.Ile28Leu)

Gene: GDF6 (growth differentiation factor 6; minus strand). Cytogenetic location: 8q22.1.
Variant type: single nucleotide variant.
Coding change: c.82A>C on transcript NM_001001557.4 (MANE Select); coding-DNA position 82, A replaced by C.
Protein change: p.Ile28Leu; replaces isoleucine 28 with leucine.
Molecular consequence: missense variant.
Genome position (GRCh38, 1-based): chr8:96,160,611, T>G on the plus strand (A>C on the coding strand, the complement: GDF6 is on the minus strand). VCF-style: chr8-96160611-T-G. GRCh37 (hg19) VCF-style: chr8-97172839-T-G.
Other names: short protein forms I28L.
Identifiers: ClinVar variation 965244 (VCV000965244.10), dbSNP rs760516509, ClinGen allele CA371753989.